The following is an entry in ClinVar:

NM_001243133.2(NLRP3):c.2492+13C>T

Gene: NLRP3 (NLR family pyrin domain containing 3; plus strand). Cytogenetic location: 1q44.
Variant type: single nucleotide variant.
Coding change: c.2492+13C>T on transcript NM_001243133.2 (MANE Select); 13 bases into the intron after coding-DNA position 2492, C replaced by T.
Molecular consequence: intron variant.
Genome position (GRCh38, 1-based): chr1:247,434,286, C>T. VCF-style: chr1-247434286-C-T. GRCh37 (hg19) VCF-style: chr1-247597588-C-T.
Other names: c.2498+13C>T (NM_004895.5); c.2492+13C>T (NM_001127461.3, NM_001079821.3); c.2321+13C>T (NM_001127462.3, NM_183395.3).
Identifiers: ClinVar variation 506660 (VCV000506660.11), dbSNP rs199746830, ClinGen allele CA1495256.

ClinVar aggregate classification (germline): Likely benign. Review status: criteria provided, multiple submitters, no conflicts (2 of 4 stars). 4 submissions from 4 submitters: Likely benign (4). Last evaluated 2025-10-03.

Conditions:
Familial amyloid nephropathy with urticaria AND deafness (MWS). Also called: CRYOPYRIN-ASSOCIATED PERIODIC SYNDROME 2; Urticaria, deafness and amyloidosis; MUCKLE-WELLS SYNDROME; UDA SYNDROME; URTICARIA-DEAFNESS-AMYLOIDOSIS SYNDROME. Identifiers: Orphanet 575, MedGen C0268390, MONDO:0008633, OMIM 191900.
Keratitis fugax hereditaria. Also called: KERATOENDOTHELIITIS FUGAX HEREDITARIA. Identifiers: Orphanet 647815, MedGen C1835697, MONDO:0007849, OMIM 148200.
Chronic infantile neurological, cutaneous and articular syndrome (CINCA). Also called: CRYOPYRIN-ASSOCIATED PERIODIC SYNDROME 3; CHRONIC NEUROLOGIC CUTANEOUS AND ARTICULAR SYNDROME; Prieur Griscelli syndrome; CINCA syndrome. Identifiers: Orphanet 1451, MedGen C0409818, MONDO:0011776, OMIM 607115.
Hearing loss, autosomal dominant 34, with or without inflammation. Also called: DEAFNESS, AUTOSOMAL DOMINANT 34, WITH OR WITHOUT INFLAMMATION. Identifiers: MedGen C4521680, MONDO:0033261, OMIM 617772.
Familial cold autoinflammatory syndrome 1 (FCAS1). Also called: Familial cold inflammatory syndrome 1; CRYOPYRIN-ASSOCIATED PERIODIC SYNDROME 1. Identifiers: Orphanet 47045, MedGen C4551895, MONDO:0007349, OMIM 120100.
Cryopyrin associated periodic syndrome (CAPS). Identifiers: Orphanet 208650, MedGen C2316212, MONDO:0016168.

Allele frequency attached by ClinVar (database versions not stated): ExAC 0.00001; gnomAD exomes 0.00001; TOPMed 0.00001.
gnomAD v4.1: 32 of 1,613,972 alleles (0.002%); highest among the groups gnomAD compares: African/African-American, 0.0027%; no homozygotes.

Submissions (4):

Labcorp Genetics (formerly Invitae), Labcorp
Classification: Likely benign for Cryopyrin associated periodic syndrome. Last evaluated: 2025-10-03. Review status: criteria provided, single submitter. Criteria: Invitae Variant Classification Sherloc (09022015). Collection method: clinical testing. Allele origin: germline.

Fulgent Genetics
Classification: Likely benign for Familial cold autoinflammatory syndrome 1; Keratitis fugax hereditaria; Familial amyloid nephropathy with urticaria AND deafness; Chronic infantile neurological, cutaneous and articular syndrome; Hearing loss, autosomal dominant 34, with or without inflammation. Last evaluated: 2022-05-23. Review status: criteria provided, single submitter. Criteria: ACMG Guidelines, 2015. Collection method: clinical testing. Allele origin: unknown.

Blueprint Genetics
Classification: Likely benign. Last evaluated: 2022-03-23. Review status: criteria provided, single submitter. Criteria: ACMG Guidelines, 2015. Collection method: clinical testing. Allele origin: germline.

GeneDx
Classification: Likely benign. Last evaluated: 2017-02-03. Review status: criteria provided, single submitter. Criteria: GeneDx Variant Classification (06012015). Collection method: clinical testing. Allele origin: germline. Affected: yes.
Comment: This variant is considered likely benign or benign based on one or more of the following criteria: it is a conservative change, it occurs at a poorly conserved position in the protein, it is predicted to be benign by multiple in silico algorithms, and/or has population frequency not consistent with disease.